The following is an entry in ClinVar:

ClinVar aggregate classification (germline): Uncertain significance. Review status: criteria provided, multiple submitters, no conflicts (2 of 4 stars). 2 submissions from 2 submitters: Uncertain significance (2). Last evaluated 2025-07-14.

Conditions:
Endometrial carcinoma. Also called: Endometrial carcinoma, somatic. Identifiers: MedGen C0476089, MONDO:0002447, OMIM 608089, HP:0012114.
Colorectal cancer, hereditary nonpolyposis, type 7. Identifiers: Orphanet 144, MedGen C1858380, MONDO:0013725, OMIM 614385.
Colorectal cancer. Also called: Colorectal cancer, somatic; Malignant Colorectal Neoplasm. Identifiers: MedGen C0346629, MONDO:0005575, OMIM 114500.

Allele frequency attached by ClinVar (database versions not stated): 1000 Genomes Project 30x 0.00016; 1000 Genomes Project 0.00020.
gnomAD v4.1: 7 of 1,614,044 alleles (0.00043%); highest among the groups gnomAD compares: African/African-American, 0.008%; no homozygotes.

Submissions (2):

Ambry Genetics
Classification: Uncertain significance. Last evaluated: 2025-07-14. Review status: criteria provided, single submitter. Criteria: Ambry Variant Classification Scheme 2023. Collection method: clinical testing. Allele origin: germline.
Comment: The p.S463G variant (also known as c.1387A>G), located in coding exon 1 of the MLH3 gene, results from an A to G substitution at nucleotide position 1387. The serine at codon 463 is replaced by glycine, an amino acid with similar properties. This amino acid position is poorly conserved in available vertebrate species. In addition, this alteration is predicted to be tolerated by in silico analysis. The evidence for this gene-disease relationship is limited; therefore, the clinical significance of this alteration is unclear.

Fulgent Genetics
Classification: Uncertain significance for Colorectal cancer; Endometrial carcinoma; Colorectal cancer, hereditary nonpolyposis, type 7. Last evaluated: 2024-05-30. Review status: criteria provided, single submitter. Criteria: ACMG Guidelines, 2015. Collection method: clinical testing. Allele origin: germline.

NM_001040108.2(MLH3):c.1387A>G (p.Ser463Gly)

Gene: MLH3 (mutL homolog 3; minus strand). Cytogenetic location: 14q24.3.
Variant type: single nucleotide variant.
Coding change: c.1387A>G on transcript NM_001040108.2 (MANE Select); coding-DNA position 1387, A replaced by G.
Protein change: p.Ser463Gly; replaces serine 463 with glycine.
Molecular consequence: missense variant.
Genome position (GRCh38, 1-based): chr14:75,048,269, T>C on the plus strand (A>G on the coding strand, the complement: MLH3 is on the minus strand). VCF-style: chr14-75048269-T-C. GRCh37 (hg19) VCF-style: chr14-75514972-T-C.
Other names: c.1387A>G, p.Ser463Gly (NM_014381.3); short protein forms S463G.
Identifiers: ClinVar variation 2623684 (VCV002623684.4), dbSNP rs138974583, ClinGen allele CA7275885.